The following is an entry in ClinVar:

NM_000430.4(PAFAH1B1):c.672-10A>C

Gene: PAFAH1B1 (platelet activating factor acetylhydrolase 1b regulatory subunit 1; plus strand). Cytogenetic location: 17p13.3.
Variant type: single nucleotide variant.
Coding change: c.672-10A>C on transcript NM_000430.4 (MANE Select); 10 bases into the intron before coding-DNA position 672, A replaced by C.
Molecular consequence: intron variant.
Genome position (GRCh38, 1-based): chr17:2,674,050, A>C. VCF-style: chr17-2674050-A-C. GRCh37 (hg19) VCF-style: chr17-2577344-A-C.
Other names: p.?.
Identifiers: ClinVar variation 92999 (VCV000092999.24), dbSNP rs77153143, ClinGen allele CA146166.

ClinVar aggregate classification (germline): Benign. Review status: criteria provided, multiple submitters, no conflicts (2 of 4 stars). 7 submissions from 7 submitters: Benign (7). Last evaluated 2026-02-03.

Allele frequency attached by ClinVar (database versions not stated): gnomAD exomes 0.00438; ExAC 0.00548; 1000 Genomes Project 0.01518; gnomAD 0.01640 and 0.01770; 1000 Genomes Project 30x 0.01671; TOPMed 0.01762; ESP Exome Variant Server 0.01968.
gnomAD v4.1: 5,157 of 1,582,740 alleles (0.33%); highest among the groups gnomAD compares: African/African-American, 5.4%; 121 homozygotes.

Submissions (7):

Labcorp Genetics (formerly Invitae), Labcorp
Classification: Benign. Last evaluated: 2026-02-03. Review status: criteria provided, single submitter. Criteria: Invitae Variant Classification Sherloc (09022015). Collection method: clinical testing. Allele origin: germline.

Mayo Clinic Laboratories, Mayo Clinic
Classification: Benign. Last evaluated: 2018-12-13. Review status: criteria provided, single submitter. Criteria: ACMG Guidelines, 2015. Collection method: clinical testing. Allele origin: germline. Observed: 8 variant alleles.

GeneDx
Classification: Benign. Last evaluated: 2014-05-27. Review status: criteria provided, single submitter. Criteria: GeneDx Variant Classification (06012015). Collection method: clinical testing. Allele origin: germline. Affected: yes.
Comment: This variant is considered likely benign or benign based on one or more of the following criteria: it is a conservative change, it occurs at a poorly conserved position in the protein, it is predicted to be benign by multiple in silico algorithms, and/or has population frequency not consistent with disease.

Genetic Services Laboratory, University of Chicago
Classification: Benign. Last evaluated: 2013-02-08. Review status: criteria provided, single submitter. Criteria: ACMG Guidelines, 2007. Collection method: clinical testing. Allele origin: germline. Inheritance: Autosomal dominant inheritance.

Eurofins Ntd Llc (ga)
Classification: Benign. Last evaluated: 2012-12-03. Review status: criteria provided, single submitter. Criteria: EGL Classification Definitions 2015. Collection method: clinical testing. Allele origin: germline. Observed: 1 variant allele, 1 heterozygote.

Breakthrough Genomics
Classification: Benign. Review status: criteria provided, single submitter. Criteria: ACMG Guidelines, 2015. Collection method: not provided. Allele origin: germline. Inheritance: Autosomal dominant inheritance. Affected: yes.

PreventionGenetics, part of Exact Sciences
Classification: Benign. Review status: criteria provided, single submitter. Criteria: ACMG Guidelines, 2015. Collection method: clinical testing. Allele origin: germline.